The following is an entry in ClinVar:

ClinVar aggregate classification (germline): Pathogenic (1 of 4 stars; one submission).

Conditions:
Primary ciliary dyskinesia. Also called: Ciliary dyskinesia. Identifiers: Orphanet 244, MedGen C0008780, MONDO:0016575, HP:0012265.

Submission:

Labcorp Genetics (formerly Invitae), Labcorp
Classification: Pathogenic for Primary ciliary dyskinesia. Last evaluated: 2021-12-20. Review status: criteria provided, single submitter. Criteria: Invitae Variant Classification Sherloc (09022015). Collection method: clinical testing. Allele origin: germline.
Comment: This variant is a gross deletion of the genomic region encompassing exon(s) 1-2 of the DNAAF5 gene, which includes the initiator codon. This deletion extends beyond the assayed region for this gene and therefore may encompass additional genes. It is expected to result in an absent or disrupted protein product. Loss-of-function variants in DNAAF5 are known to be pathogenic (PMID: 24307375, 25232951). This variant has not been reported in the literature in individuals affected with DNAAF5-related conditions. For these reasons, this variant has been classified as Pathogenic.

Literature cited by the submitters: PubMed 24307375; PubMed 25232951.

NC_000007.13:g.(?_766358)_(769504_?)del

Genes: DNAAF5 (dynein axonemal assembly factor 5; plus strand), PRKAR1B (protein kinase cAMP-dependent type I regulatory subunit beta; minus strand). Cytogenetic location: 7p22.3.
Variant type: Deletion.
Identifiers: ClinVar variation 2426356 (VCV002426356.11).